The following is an entry in ClinVar:

ClinVar aggregate classification (germline): Uncertain significance (1 of 4 stars; one submission).

Conditions:
Costello syndrome (CSTLO). Also called: HRAS-Related Costello Syndrome; FCS SYNDROME; FACIOCUTANEOSKELETAL SYNDROME. Identifiers: Orphanet 3071, MedGen C0587248, MONDO:0009026, OMIM 218040.

Allele frequency attached by ClinVar (database versions not stated): gnomAD exomes below 0.00001 and 0.00001.

Submission:

Labcorp Genetics (formerly Invitae), Labcorp
Classification: Uncertain significance for Costello syndrome. Last evaluated: 2021-04-28. Review status: criteria provided, single submitter. Criteria: Invitae Variant Classification Sherloc (09022015). Collection method: clinical testing. Allele origin: germline.
Comment: In summary, the available evidence is currently insufficient to determine the role of this variant in disease. Therefore, it has been classified as a Variant of Uncertain Significance. Algorithms developed to predict the effect of missense changes on protein structure and function are either unavailable or do not agree on the potential impact of this missense change (SIFT: "Deleterious"; PolyPhen-2: "Benign"; Align-GVGD: "Class C15"). This variant has not been reported in the literature in individuals with HRAS-related disease. This variant is not present in population databases (ExAC no frequency). This sequence change replaces arginine with tryptophan at codon 128 of the HRAS protein (p.Arg128Trp). The arginine residue is moderately conserved and there is a moderate physicochemical difference between arginine and tryptophan.

NM_005343.4(HRAS):c.382C>T (p.Arg128Trp)

Genes: HRAS (HRas proto-oncogene, GTPase; minus strand), LRRC56 (leucine rich repeat containing 56; plus strand). Cytogenetic location: 11p15.5.
Variant type: single nucleotide variant.
Coding change: c.382C>T on transcript NM_005343.4 (MANE Select); coding-DNA position 382, C replaced by T.
Protein change: p.Arg128Trp; replaces arginine 128 with tryptophan.
Molecular consequence: missense variant. On other transcripts: synonymous variant (1).
Genome position (GRCh38, 1-based): chr11:533,521, G>A on the plus strand (C>T on the coding strand, the complement: HRAS is on the minus strand). VCF-style: chr11-533521-G-A. GRCh37 (hg19) VCF-style: chr11-533521-G-A.
Other names: c.382C>T, p.Arg128Trp (NM_001130442.3, NM_176795.5); c.63C>T, p.Leu21= (NM_001318054.2); short protein forms R128W.
Identifiers: ClinVar variation 639168 (VCV000639168.9), dbSNP rs1350889077, ClinGen allele CA378923156.